The following is an entry in ClinVar:

ClinVar aggregate classification (germline): Uncertain significance (1 of 4 stars; one submission).

Conditions:
Cardiovascular phenotype. Identifiers: MedGen CN230736.

gnomAD v4.1: 8 of 1,613,928 alleles (0.0005%); highest among the groups gnomAD compares: Non-Finnish European, 0.00068%; no homozygotes.

Submission:

Ambry Genetics
Classification: Uncertain significance for Cardiovascular phenotype. Last evaluated: 2024-08-19. Review status: criteria provided, single submitter. Criteria: Ambry Variant Classification Scheme 2023. Collection method: clinical testing. Allele origin: germline.
Comment: The p.S2530R variant (also known as c.7590C>A), located in coding exon 38 of the ANK2 gene, results from a C to A substitution at nucleotide position 7590. The serine at codon 2530 is replaced by arginine, an amino acid with dissimilar properties. This amino acid position is conserved. In addition, the in silico prediction for this alteration is inconclusive. Based on the available evidence, the clinical significance of this variant remains unclear.

NM_001148.6(ANK2):c.7590C>A (p.Ser2530Arg)

Genes: ANK2 (ankyrin 2; plus strand), LOC126807137 (CDK7 strongly-dependent group 2 enhancer GRCh37_chr4:114276560-114277759; plus strand). Cytogenetic location: 4q26.
Variant type: single nucleotide variant.
Coding change: c.7590C>A on transcript NM_001148.6 (MANE Select); coding-DNA position 7590, C replaced by A.
Protein change: p.Ser2530Arg; replaces serine 2530 with arginine.
Molecular consequence: missense variant. On other transcripts: intron variant (68).
Genome position (GRCh38, 1-based): chr4:113,356,208, C>A. VCF-style: chr4-113356208-C-A. GRCh37 (hg19) VCF-style: chr4-114277364-C-A.
Other names: c.7356C>A, p.Ser2452Arg (NM_001386142.1); c.3990C>A, p.Ser1330Arg (NM_001386166.1); c.7731C>A, p.Ser2577Arg (NM_001386174.1); c.7707C>A, p.Ser2569Arg (NM_001386175.1); c.4412-4615C>A (NM_001386186.2, NM_001386148.2); c.4214-4615C>A (NM_001354269.3); c.4292-4615C>A (NM_001386187.2); c.4253-4615C>A (NM_001386147.1); and 35 more; short protein forms S1330R, S2452R, S2577R, S2530R, S2569R.
Identifiers: ClinVar variation 3539591 (VCV003539591.1).
Genomic context (GRCh38, chr4:113,356,208, plus strand): 5'-CCGAGACCCTGATGGCAGTGCTGAGGATGACAGTCTTGAGCAGACATCGCTCATGGAGAG[C>A]TCAGGGAAGAGCCCCCTTTCTCCTGACACCCCCAGCTCTGAAGAAGTCAGCTATGAGGTT-3'
Protein context (NP_001139.3, residues 2520-2540): DSLEQTSLME[Ser2530Arg]SGKSPLSPDT